The following is an entry in ClinVar:

NM_020893.6(CCDC180):c.15G>A (p.Gly5=)

Genes: CCDC180 (coiled-coil domain containing 180; plus strand), SUGT1P4-STRA6LP-CCDC180 (SUGT1P4-STRA6LP-CCDC180 readthrough; plus strand). Cytogenetic location: 9q22.33.
Variant type: single nucleotide variant.
Coding change: c.15G>A on transcript NM_020893.6 (MANE Select); coding-DNA position 15, G replaced by A.
Protein change: p.Gly5=; no amino-acid change (glycine 5 retained).
Molecular consequence: synonymous variant. On other transcripts: non-coding transcript variant (3).
Genome position (GRCh38, 1-based): chr9:97,308,078, G>A. VCF-style: chr9-97308078-G-A. GRCh37 (hg19) VCF-style: chr9-100070360-G-A.
Other names: c.15G>A, p.Gly5= (NM_001348010.4).
Identifiers: ClinVar variation 2659328 (VCV002659328.24), dbSNP rs777322484, ClinGen allele CA5144787.

ClinVar aggregate classification (germline): Likely benign (1 of 4 stars; one submission).

Allele frequency attached by ClinVar (database versions not stated): TOPMed 0.00001; ExAC 0.00002.
gnomAD v4.1: 17 of 1,613,508 alleles (0.0011%); highest among the groups gnomAD compares: Non-Finnish European, 0.0014%; no homozygotes.

Submission:

CeGaT Center for Human Genetics Tuebingen
Classification: Likely benign. Last evaluated: 2022-07-01. Review status: criteria provided, single submitter. Criteria: CeGaT Center For Human Genetics Tuebingen Variant Classification Criteria Version 2. Collection method: clinical testing. Allele origin: germline. Affected: yes. Observed: 1 variant allele.
Comment: CCDC180: BP4, BP7